The following is an entry in ClinVar:

NM_003803.4(MYOM1):c.2471A>G (p.Gln824Arg)

Gene: MYOM1 (myomesin 1; minus strand). Cytogenetic location: 18p11.31.
Variant type: single nucleotide variant.
Coding change: c.2471A>G on transcript NM_003803.4 (MANE Select); coding-DNA position 2471, A replaced by G.
Protein change: p.Gln824Arg; replaces glutamine 824 with arginine.
Molecular consequence: missense variant.
Genome position (GRCh38, 1-based): chr18:3,131,410, T>C on the plus strand (A>G on the coding strand, the complement: MYOM1 is on the minus strand). VCF-style: chr18-3131410-T-C. GRCh37 (hg19) VCF-style: chr18-3131408-T-C.
Other names: c.2471A>G, p.Gln824Arg (NM_019856.2); short protein forms Q824R.
Identifiers: ClinVar variation 639967 (VCV000639967.8), dbSNP rs1245030749, ClinGen allele CA401711163.
Genomic context (GRCh38, chr18:3,131,410, plus strand): 5'-ATACAGTTATGCATAAGGAACTTACCAATAGCAGCTTTGACTTCAATAGCTTCTGAATCC[T>C]GGGAATATTCACTAAGTCCAGCTGCATTGACTGCTCTGACCCGGAAAATATAACTCTGAC-3'
Protein context (NP_003794.3, residues 814-834): VNAAGLSEYS[Gln824Arg]DSEAIEVKAA

ClinVar aggregate classification (germline): Uncertain significance (1 of 4 stars; one submission).

Conditions:
Hypertrophic cardiomyopathy. Also called: HYPERTROPHIC MYOCARDIOPATHY. Identifiers: Orphanet 217569, MedGen C0007194, MeSH D002312, MONDO:0005045, HP:0001639.

Allele frequency attached by ClinVar (database versions not stated): gnomAD exomes below 0.00001 and 0.00001; TOPMed below 0.00001; gnomAD 0.00001.
gnomAD v4.1: 13 of 1,613,794 alleles (0.00081%); highest among the groups gnomAD compares: South Asian, 0.0011%; no homozygotes.

Submission:

Labcorp Genetics (formerly Invitae), Labcorp
Classification: Uncertain significance for Hypertrophic cardiomyopathy. Last evaluated: 2018-10-31. Review status: criteria provided, single submitter. Criteria: Invitae Variant Classification Sherloc (09022015). Collection method: clinical testing. Allele origin: germline.
Comment: In summary, the available evidence is currently insufficient to determine the role of this variant in disease. Therefore, it has been classified as a Variant of Uncertain Significance. Algorithms developed to predict the effect of missense changes on protein structure and function (SIFT, PolyPhen-2, Align-GVGD) all suggest that this variant is likely to be tolerated, but these predictions have not been confirmed by published functional studies and their clinical significance is uncertain. This variant has not been reported in the literature in individuals with MYOM1-related disease. This variant is not present in population databases (ExAC no frequency). This sequence change replaces glutamine with arginine at codon 824 of the MYOM1 protein (p.Gln824Arg). The glutamine residue is moderately conserved and there is a small physicochemical difference between glutamine and arginine.